The following is an entry in ClinVar:

ClinVar aggregate classification (germline): Uncertain significance (1 of 4 stars; one submission).

Submission:

Labcorp Genetics (formerly Invitae), Labcorp
Classification: Uncertain significance. Last evaluated: 2022-06-08. Review status: criteria provided, single submitter. Criteria: Invitae Variant Classification Sherloc (09022015). Collection method: clinical testing. Allele origin: germline.
Comment: In summary, the available evidence is currently insufficient to determine the role of this variant in disease. Therefore, it has been classified as a Variant of Uncertain Significance. Algorithms developed to predict the effect of missense changes on protein structure and function output the following: SIFT: "Tolerated"; PolyPhen-2: "Benign"; Align-GVGD: "Class C0". The serine amino acid residue is found in multiple mammalian species, which suggests that this missense change does not adversely affect protein function. This variant has not been reported in the literature in individuals affected with CARMIL2-related conditions. This variant is not present in population databases (gnomAD no frequency). This sequence change replaces proline, which is neutral and non-polar, with serine, which is neutral and polar, at codon 1342 of the CARMIL2 protein (p.Pro1342Ser).

NM_001013838.3(CARMIL2):c.4024C>T (p.Pro1342Ser)

Gene: CARMIL2 (capping protein regulator and myosin 1 linker 2; plus strand). Cytogenetic location: 16q22.1.
Variant type: single nucleotide variant.
Coding change: c.4024C>T on transcript NM_001013838.3 (MANE Select); coding-DNA position 4024, C replaced by T.
Protein change: p.Pro1342Ser; replaces proline 1342 with serine.
Molecular consequence: missense variant.
Genome position (GRCh38, 1-based): chr16:67,656,633, C>T. VCF-style: chr16-67656633-C-T. GRCh37 (hg19) VCF-style: chr16-67690536-C-T.
Other names: c.3916C>T, p.Pro1306Ser (NM_001317026.3); short protein forms P1306S, P1342S.
Identifiers: ClinVar variation 2003478 (VCV002003478.4), dbSNP rs2543588802, ClinGen allele CA396348770.